The following is an entry in ClinVar:

ClinVar aggregate classification (germline): Likely benign (0 of 4 stars; one submission).

Conditions:
NLRP2-related disorder. Also called: NLRP2-related condition.

Allele frequency attached by ClinVar (database versions not stated): ESP Exome Variant Server 0.00046.
gnomAD v4.1: 430 of 1,613,994 alleles (0.027%); highest among the groups gnomAD compares: Non-Finnish European, 0.032%; no homozygotes.

Submission:

PreventionGenetics, part of Exact Sciences
Classification: Likely benign for NLRP2-related condition. Last evaluated: 2019-03-13. Review status: no assertion criteria provided. Collection method: clinical testing. Allele origin: germline.
Comment: This variant is classified as likely benign based on ACMG/AMP sequence variant interpretation guidelines (Richards et al. 2015 PMID: 25741868, with internal and published modifications).

NM_017852.5(NLRP2):c.903C>A (p.Ile301=)

Gene: NLRP2 (NLR family pyrin domain containing 2; plus strand). Cytogenetic location: 19q13.42.
Variant type: single nucleotide variant.
Coding change: c.903C>A on transcript NM_017852.5 (MANE Select); coding-DNA position 903, C replaced by A.
Protein change: p.Ile301=; no amino-acid change (isoleucine 301 retained).
Molecular consequence: synonymous variant. On other transcripts: non-coding transcript variant (1).
Genome position (GRCh38, 1-based): chr19:54,982,601, C>A. VCF-style: chr19-54982601-C-A. GRCh37 (hg19) VCF-style: chr19-55493969-C-A.
Other names: c.903C>A, p.Ile301= (NM_001174081.3); c.837C>A, p.Ile279= (NM_001174082.3); c.834C>A, p.Ile278= (NM_001174083.2); c.894C>A, p.Ile298= (NM_001348003.2).
Identifiers: ClinVar variation 3052193 (VCV003052193.2), dbSNP rs144397371, ClinGen allele CA310103268.
Genomic context (GRCh38, chr19:54,982,601, plus strand): 5'-GAAAATCTTGTTCGTGATTGACGGCTTTGATGAGCTGGGAGCCGCACCTGGGGCGCTGAT[C>A]GAGGACATCTGCGGGGACTGGGAGAAGAAGAAGCCGGTGCCCGTCCTCCTGGGGAGTTTG-3'
Protein context (NP_060322.1, residues 291-311): DELGAAPGAL[Ile301=]EDICGDWEKK